The following is an entry in ClinVar:

ClinVar aggregate classification (germline): Uncertain significance (1 of 4 stars; one submission).

Conditions:
Hereditary cancer-predisposing syndrome. Also called: Neoplastic Syndromes, Hereditary; Hereditary Cancer Syndrome; Tumor predisposition; Hereditary neoplastic syndrome. Identifiers: Orphanet 140162, MedGen C0027672, MeSH D009386, MONDO:0015356.

Submission:

Ambry Genetics
Classification: Uncertain significance for Hereditary cancer-predisposing syndrome. Last evaluated: 2024-12-17. Review status: criteria provided, single submitter. Criteria: Ambry Variant Classification Scheme 2023. Collection method: clinical testing. Allele origin: germline.
Comment: The c.3080_3081dupAG variant, located in coding exon 24 of the POLD1 gene, results from a duplication of AG at nucleotide position 3080, causing a translational frameshift with a predicted alternate stop codon (p.F1028Sfs*18). This alteration is expected to result in loss of function by premature protein truncation or nonsense-mediated mRNA decay. However, loss of function of POLD1 has not been established as a mechanism of disease. Based on the available evidence, the clinical significance of this alteration remains unclear.

NM_002691.4(POLD1):c.3080_3081dup (p.Phe1028fs)

Gene: POLD1 (DNA polymerase delta 1, catalytic subunit; plus strand). Cytogenetic location: 19q13.33.
Variant type: Duplication.
Coding change: c.3080_3081dup on transcript NM_002691.4 (MANE Select); coding-DNA positions 3080 to 3081, 2 bases duplicated (AG; older notation c.3080_3081dupAG).
Protein change: p.Phe1028fs; shifts the reading frame from phenylalanine 1028.
Molecular consequence: frameshift variant. On other transcripts: non-coding transcript variant (1).
Genome position (GRCh38, 1-based): chr19:50,417,057-50,417,058, AG duplicated; duplicating any 2 consecutive bases within chr19:50,417,056-50,417,058 gives the same sequence; the c. name uses the placement nearest the transcript's 3' end. VCF-style (leftmost placement, unchanged base first): chr19-50417055-T-TGA. GRCh37 (hg19) VCF-style: chr19-50920312-T-TGA.
Other names: c.3080_3081dup, p.Phe1028fs (NM_001256849.1); c.3158_3159dup, p.Phe1054fs (NM_001308632.1); short protein forms F1054fs, F1028fs.
Identifiers: ClinVar variation 3781362 (VCV003781362.1).
Genomic context (GRCh38, chr19:50,417,055, plus strand): 5'-CCCAGTTCCTGGCTGGGCCCCAGCACTTGGGCTGACCCGCCTCCCCACAGGAGCCGTGTG[T>TGA]GAGTTCTGCCAGCCCCGGGAGTCTGAGCTGTATCAGAAGGAGGTGAGAGGGCCGGGAGGT-3'